The following is an entry in ClinVar:

NM_020461.4(TUBGCP6):c.5205C>G (p.Asn1735Lys)

Gene: TUBGCP6 (tubulin gamma complex component 6; minus strand). Cytogenetic location: 22q13.33.
Variant type: single nucleotide variant.
Coding change: c.5205C>G on transcript NM_020461.4 (MANE Select); coding-DNA position 5205, C replaced by G.
Protein change: p.Asn1735Lys; replaces asparagine 1735 with lysine.
Molecular consequence: missense variant.
Genome position (GRCh38, 1-based): chr22:50,218,081, G>C on the plus strand (C>G on the coding strand, the complement: TUBGCP6 is on the minus strand). VCF-style: chr22-50218081-G-C. GRCh37 (hg19) VCF-style: chr22-50656510-G-C.
Other names: short protein forms N1735K.
Identifiers: ClinVar variation 2080238 (VCV002080238.4), dbSNP rs377282869, ClinGen allele CA412163384.

ClinVar aggregate classification (germline): Uncertain significance (1 of 4 stars; one submission).

gnomAD v4.1: 1 of 1,613,234 alleles (0.000062%); highest among the groups gnomAD compares: South Asian, 0.0011%; no homozygotes.

Submission:

Labcorp Genetics (formerly Invitae), Labcorp
Classification: Uncertain significance. Last evaluated: 2024-10-08. Review status: criteria provided, single submitter. Criteria: Invitae Variant Classification Sherloc (09022015). Collection method: clinical testing. Allele origin: germline.
Comment: This sequence change replaces asparagine, which is neutral and polar, with lysine, which is basic and polar, at codon 1735 of the TUBGCP6 protein (p.Asn1735Lys). This variant is not present in population databases (gnomAD no frequency). This variant has not been reported in the literature in individuals affected with TUBGCP6-related conditions. ClinVar contains an entry for this variant (Variation ID: 2080238). An algorithm developed to predict the effect of missense changes on protein structure and function (PolyPhen-2) suggests that this variant is likely to be disruptive. In summary, the available evidence is currently insufficient to determine the role of this variant in disease. Therefore, it has been classified as a Variant of Uncertain Significance.